The following is an entry in ClinVar:

NM_001852.4(COL9A2):c.1007C>T (p.Ala336Val)

Gene: COL9A2 (collagen type IX alpha 2 chain; minus strand). Cytogenetic location: 1p34.2.
Variant type: single nucleotide variant.
Coding change: c.1007C>T on transcript NM_001852.4 (MANE Select); coding-DNA position 1007, C replaced by T.
Protein change: p.Ala336Val; replaces alanine 336 with valine.
Molecular consequence: missense variant.
Genome position (GRCh38, 1-based): chr1:40,307,447, G>A on the plus strand (C>T on the coding strand, the complement: COL9A2 is on the minus strand). VCF-style: chr1-40307447-G-A. GRCh37 (hg19) VCF-style: chr1-40773119-G-A.
Other names: short protein forms A336V.
Identifiers: ClinVar variation 1314202 (VCV001314202.9), dbSNP rs150075912, ClinGen allele CA791638.

ClinVar aggregate classification (germline): Uncertain significance. Review status: criteria provided, multiple submitters, no conflicts (2 of 4 stars). 3 submissions from 3 submitters: Uncertain significance (3). Last evaluated 2025-10-27.

Allele frequency attached by ClinVar (database versions not stated): 1000 Genomes Project 30x 0.00016.
gnomAD v4.1: 16 of 1,613,870 alleles (0.00099%); highest among the groups gnomAD compares: South Asian, 0.0055%; no homozygotes.

Submissions (3):

GeneDx
Classification: Uncertain significance. Last evaluated: 2025-10-27. Review status: criteria provided, single submitter. Criteria: GeneDx Variant Classification Process June 2021. Collection method: clinical testing. Allele origin: germline. Affected: yes.
Comment: Has not been previously published as pathogenic or benign to our knowledge; Not observed at significant frequency in large population cohorts (gnomAD); In silico analysis suggests that this missense variant does not alter protein structure/function

Labcorp Genetics (formerly Invitae), Labcorp
Classification: Uncertain significance. Last evaluated: 2025-04-08. Review status: criteria provided, single submitter. Criteria: Invitae Variant Classification Sherloc (09022015). Collection method: clinical testing. Allele origin: germline.
Comment: This sequence change replaces alanine, which is neutral and non-polar, with valine, which is neutral and non-polar, at codon 336 of the COL9A2 protein (p.Ala336Val). This variant is present in population databases (rs150075912, gnomAD 0.004%). This variant has not been reported in the literature in individuals affected with COL9A2-related conditions. ClinVar contains an entry for this variant (Variation ID: 1314202). An algorithm developed to predict the effect of missense changes on protein structure and function outputs the following: PolyPhen-2: "Possibly Damaging". The valine amino acid residue is found in multiple mammalian species, which suggests that this missense change does not adversely affect protein function. In summary, the available evidence is currently insufficient to determine the role of this variant in disease. Therefore, it has been classified as a Variant of Uncertain Significance.

Women's Health and Genetics/Laboratory Corporation of America, LabCorp
Classification: Uncertain significance. Last evaluated: 2025-03-29. Review status: criteria provided, single submitter. Criteria: LabCorp Variant Classification Summary - May 2015. Collection method: clinical testing. Allele origin: germline.
Comment: Variant summary: COL9A2 c.1007C>T (p.Ala336Val) results in a non-conservative amino acid change in the encoded protein sequence. Three of five in-silico tools predict a benign effect of the variant on protein function. Consensus agreement among computation tools predict no significant impact on normal splicing. However, these predictions have yet to be confirmed by functional studies. The variant allele was found at a frequency of 8e-06 in 250290 control chromosomes. The available data on variant occurrences in the general population are insufficient to allow any conclusion about variant significance. To our knowledge, no occurrence of c.1007C>T in individuals affected with Epiphyseal dysplasia, multiple, 2 and no experimental evidence demonstrating its impact on protein function have been reported. ClinVar contains an entry for this variant (Variation ID: 1314202). Based on the evidence outlined above, the variant was classified as uncertain significance.